The following is an entry in ClinVar:

ClinVar aggregate classification (germline): Uncertain significance. Review status: criteria provided, multiple submitters, no conflicts (2 of 4 stars). 4 submissions from 4 submitters: Uncertain significance (4). Last evaluated 2026-03-06.

Conditions:
ABCC8-related disorder.
Pulmonary arterial hypertension. Identifiers: Orphanet 182090, MedGen C2973725, MeSH D000081029, MONDO:0015924, HP:0002092.
Hyperinsulinemic hypoglycemia, familial, 1 (HHF1). Also called: Persistent Hyperinsulinemia Hypoglycemia of Infancy; Persistent hyperinsulinemic hypoglycemia of infancy; HYPERINSULINISM, FAMILIAL, WITH PANCREATIC NESIDIOBLASTOSIS; HYPOGLYCEMIA, HYPERINSULINEMIC, OF INFANCY; NESIDIOBLASTOSIS OF PANCREAS. Identifiers: Orphanet 276575, Orphanet 276598, MedGen C2931832, MONDO:0009734, OMIM 256450.

Allele frequency attached by ClinVar (database versions not stated): TOPMed 0.00003; 1000 Genomes Project 30x 0.00016; 1000 Genomes Project 0.00020.
gnomAD v4.1: 43 of 1,611,708 alleles (0.0027%); highest among the groups gnomAD compares: South Asian, 0.0044%; 1 homozygote.

Submissions (4):

PreventionGenetics, part of Exact Sciences
Classification: Uncertain significance for ABCC8-related condition. Last evaluated: 2026-03-06. Review status: criteria provided, single submitter. Criteria: ACMG Guidelines, 2015. Collection method: clinical testing. Allele origin: germline.
Comment: The ABCC8 c.2539G>A variant is predicted to result in the amino acid substitution p.Ala847Thr. This variant has been reported in the homozygous state in a infant with hyperinsulinemic hypoglycemia, although this patient was also homozygous for a pathogenic ABCC8 truncating variant (p.Trp898*, Jahnavi et al 2014. PubMed ID: 25117148). This variant is reported in 0.010% of alleles in individuals of South Asian descent in gnomAD. At this time, the clinical significance of this variant is uncertain due to the absence of conclusive functional and genetic evidence.

Johns Hopkins Genomics, Johns Hopkins University
Classification: Uncertain significance for Pulmonary arterial hypertension. Last evaluated: 2023-05-17. Review status: criteria provided, single submitter. Criteria: ACMG Guidelines, 2015. Collection method: clinical testing. Allele origin: germline.
Comment: This ABCC8 missense variant (rs561593131) is rare (<0.1%) in a large population dataset (gnomAD v3.1.2: 4/152086 total alleles; 0.003%; no homozygotes). It has been reported in ClinVar (Variation ID 594977), but has not been reported in the literature in association with pulmonary arterial hypertension, to our knowledge. Two bioinformatic tools queried predict that this substitution would be tolerated, and the alanine residue is evolutionarily conserved across very few of the species assessed, with most species having threonine at this position. We consider the clinical significance of c.2539G>A in ABCC8 to be uncertain at this time.

Eurofins Ntd Llc (ga)
Classification: Uncertain significance. Last evaluated: 2017-11-13. Review status: criteria provided, single submitter. Criteria: EGL Classification Definitions 2015. Collection method: clinical testing. Allele origin: germline.

Molecular Genetics, Madras Diabetes Research Foundation
Classification: Uncertain significance for Hyperinsulinemic hypoglycemia, familial, 1. Review status: criteria provided, single submitter. Criteria: ACMG Guidelines, 2015. Collection method: clinical testing. Allele origin: germline. Affected: yes.

Literature cited by the submitters: PubMed 25117148 (cited by Johns Hopkins Genomics, Johns Hopkins University and Molecular Genetics, Madras Diabetes Research Foundation).

NM_000352.6(ABCC8):c.2539G>A (p.Ala847Thr)

Gene: ABCC8 (ATP binding cassette subfamily C member 8; minus strand). Cytogenetic location: 11p15.1.
Variant type: single nucleotide variant.
Coding change: c.2539G>A on transcript NM_000352.6 (MANE Select); coding-DNA position 2539, G replaced by A.
Protein change: p.Ala847Thr; replaces alanine 847 with threonine.
Molecular consequence: missense variant. On other transcripts: non-coding transcript variant (1).
Genome position (GRCh38, 1-based): chr11:17,412,683, C>T on the plus strand (G>A on the coding strand, the complement: ABCC8 is on the minus strand). VCF-style: chr11-17412683-C-T. GRCh37 (hg19) VCF-style: chr11-17434230-C-T.
Other names: c.2536G>A, p.Ala846Thr (NM_001351297.2); c.2542G>A, p.Ala848Thr (NM_001287174.3); c.2605G>A, p.Ala869Thr (NM_001351295.2); c.2539G>A, p.Ala847Thr (NM_001351296.2); c.2539G>A (NM_000352.4); short protein forms A848T, A847T, A846T, A869T.
Identifiers: ClinVar variation 594977 (VCV000594977.10), dbSNP rs561593131, ClinGen allele CA5903099.